The following is an entry in ClinVar:

ClinVar aggregate classification (germline): Pathogenic (1 of 4 stars; one submission).

Submission:

CeGaT Center for Human Genetics Tuebingen
Classification: Pathogenic. Last evaluated: 2024-01-01. Review status: criteria provided, single submitter. Criteria: CeGaT Center For Human Genetics Tuebingen Variant Classification Criteria Version 2. Collection method: clinical testing. Allele origin: germline. Affected: yes. Observed: 1 variant allele.
Comment: BCOR: PVS1, PM2

NM_001123385.2(BCOR):c.4500_4504del (p.Ala1500_Leu1501insTer)

Gene: BCOR (BCL6 corepressor; minus strand). Cytogenetic location: Xp11.4.
Variant type: Deletion.
Coding change: c.4500_4504del on transcript NM_001123385.2 (MANE Select); coding-DNA positions 4500 to 4504, 5 bases deleted (CCTGC; older notation c.4500_4504delCCTGC).
Protein change: p.Ala1500_Leu1501insTer.
Molecular consequence: frameshift variant. On other transcripts: nonsense (1).
Genome position (GRCh38, 1-based): chrX:40,057,246-40,057,250, GCAGG deleted on the plus strand (CCTGC on the coding strand, the reverse complement: BCOR is on the minus strand); deleting any 5 consecutive bases within chrX:40,057,246-40,057,252 gives the same sequence; the c. name uses the placement nearest the transcript's 3' end. VCF-style (leftmost placement, unchanged base first): chrX-40057245-TGCAGG-T. GRCh37 (hg19) VCF-style: chrX-39916498-TGCAGG-T.
Other names: c.4396_4400delGCCCT, p.Leu1467Terfs (NM_001123383.2); c.4344_4348del, p.Ala1448_Leu1449insTer (NM_001123384.2); c.4398_4402del, p.Ala1466_Leu1467insTer (NM_017745.6).
Identifiers: ClinVar variation 3026805 (VCV003026805.22), dbSNP rs2519380477, ClinGen allele CA2740092116.